The following is an entry in ClinVar:

NM_007118.4(TRIO):c.5580C>T (p.Gly1860=)

Gene: TRIO (trio Rho guanine nucleotide exchange factor; plus strand). Cytogenetic location: 5p15.2.
Variant type: single nucleotide variant.
Coding change: c.5580C>T on transcript NM_007118.4 (MANE Select); coding-DNA position 5580, C replaced by T.
Protein change: p.Gly1860=; no amino-acid change (glycine 1860 retained).
Molecular consequence: synonymous variant. On other transcripts: non-coding transcript variant (1).
Genome position (GRCh38, 1-based): chr5:14,462,838, C>T. VCF-style: chr5-14462838-C-T. GRCh37 (hg19) VCF-style: chr5-14462947-C-T.
Identifiers: ClinVar variation 792931 (VCV000792931.7), dbSNP rs146544278, ClinGen allele CA3206776.

ClinVar aggregate classification (germline): Likely benign. Review status: criteria provided, multiple submitters, no conflicts (2 of 4 stars). 3 submissions from 3 submitters: Likely benign (2). 1 of the submissions does not count toward it. Last evaluated 2020-11-02.

Conditions:
TRIO-related disorder. Also called: TRIO-related disorders; TRIO-related condition.

Allele frequency attached by ClinVar (database versions not stated): gnomAD exomes 0.00012; ExAC 0.00013; gnomAD 0.00019; TOPMed 0.00028; ESP Exome Variant Server 0.00038; 1000 Genomes Project 0.00060; 1000 Genomes Project 30x 0.00078.
gnomAD v4.1: 205 of 1,613,974 alleles (0.013%); highest among the groups gnomAD compares: African/African-American, 0.052%; no homozygotes.

Submissions (3):

GeneDx
Classification: Likely benign. Last evaluated: 2020-11-02. Review status: criteria provided, single submitter. Criteria: GeneDx Variant Classification Process June 2021. Collection method: clinical testing. Allele origin: germline. Affected: yes.
Comment: Has not been previously published as pathogenic or benign to our knowledge; In silico analysis, which includes splice predictors and evolutionary conservation, suggests this variant may impact gene splicing. In the absence of RNA/functional studies, the actual effect of this sequence change is unknown.

Labcorp Genetics (formerly Invitae), Labcorp
Classification: Likely benign. Last evaluated: 2018-10-24. Review status: criteria provided, single submitter. Criteria: Invitae Variant Classification Sherloc (09022015). Collection method: clinical testing. Allele origin: germline.

PreventionGenetics, part of Exact Sciences
Classification: Likely benign for TRIO-related condition. Last evaluated: 2023-11-21. Review status: no assertion criteria provided. Collection method: clinical testing. Allele origin: germline. Not counted in ClinVar's aggregate classification.
Comment: This variant is classified as likely benign based on ACMG/AMP sequence variant interpretation guidelines (Richards et al. 2015 PMID: 25741868, with internal and published modifications).